The following is an entry in ClinVar:

ClinVar aggregate classification (germline): Uncertain significance (1 of 4 stars; one submission).

Conditions:
Focal segmental glomerulosclerosis 5 (FSGS5). Identifiers: Orphanet 656, MedGen C2750475, MONDO:0013191, OMIM 613237.
Charcot-Marie-Tooth disease dominant intermediate E. Also called: CHARCOT-MARIE-TOOTH NEUROPATHY WITH FOCAL SEGMENTAL GLOMERULONEPHRITIS. Identifiers: Orphanet 93114, MedGen C4302667, MONDO:0013758, OMIM 614455.

Submission:

Labcorp Genetics (formerly Invitae), Labcorp
Classification: Uncertain significance for Charcot-Marie-Tooth disease dominant intermediate E; Focal segmental glomerulosclerosis 5. Last evaluated: 2025-07-09. Review status: criteria provided, single submitter. Criteria: Invitae Variant Classification Sherloc (09022015). Collection method: clinical testing. Allele origin: germline.
Comment: This sequence change replaces leucine, which is neutral and non-polar, with valine, which is neutral and non-polar, at codon 1185 of the INF2 protein (p.Leu1185Val). This variant is not present in population databases (gnomAD no frequency). This variant has not been reported in the literature in individuals affected with INF2-related conditions. Invitae Evidence Modeling of protein sequence and biophysical properties (such as structural, functional, and spatial information, amino acid conservation, physicochemical variation, residue mobility, and thermodynamic stability) indicates that this missense variant is not expected to disrupt INF2 protein function with a negative predictive value of 95%. In summary, the available evidence is currently insufficient to determine the role of this variant in disease. Therefore, it has been classified as a Variant of Uncertain Significance.

NM_022489.4(INF2):c.3553C>G (p.Leu1185Val)

Gene: INF2 (inverted formin 2; plus strand). Cytogenetic location: 14q32.33.
Variant type: single nucleotide variant.
Coding change: c.3553C>G on transcript NM_022489.4 (MANE Select); coding-DNA position 3553, C replaced by G.
Protein change: p.Leu1185Val; replaces leucine 1185 with valine.
Molecular consequence: missense variant. On other transcripts: non-coding transcript variant (1).
Genome position (GRCh38, 1-based): chr14:104,714,715, C>G. VCF-style: chr14-104714715-C-G. GRCh37 (hg19) VCF-style: chr14-105181052-C-G.
Other names: c.3553C>G, p.Leu1185Val (NM_001031714.4, NM_001426862.1, NM_001426863.1 and 2 more transcripts); short protein forms L1185V.
Identifiers: ClinVar variation 4789561 (VCV004789561.1).
Genomic context (GRCh38, chr14:104,714,715, plus strand): 5'-GCAGCAGGCCCAGGTGGGGATGAGGACGAGGACGAGGAGGACACGGCCCCAGAGTCCGCA[C>G]TGGACACATCCCTGGACAAGTCCTTCTCCGAGGATGCGGTGACCGACTCCTCGGGGTCGG-3'
Protein context (NP_071934.3, residues 1175-1195): DEEDTAPESA[Leu1185Val]DTSLDKSFSE